The following is an entry in ClinVar:

ClinVar aggregate classification (germline): Likely benign (1 of 4 stars; one submission).

gnomAD v4.1: 1 of 1,548,528 alleles (0.000065%); highest among the groups gnomAD compares: Non-Finnish European, 0.000087%; no homozygotes.

Submission:

GeneDx
Classification: Likely benign. Last evaluated: 2017-02-02. Review status: criteria provided, single submitter. Criteria: GeneDx Variant Classification (06012015). Collection method: clinical testing. Allele origin: germline. Affected: yes.
Comment: This variant is considered likely benign or benign based on one or more of the following criteria: it is a conservative change, it occurs at a poorly conserved position in the protein, it is predicted to be benign by multiple in silico algorithms, and/or has population frequency not consistent with disease.

NM_007254.4(PNKP):c.1299-7C>T

Gene: PNKP (polynucleotide kinase 3'-phosphatase; minus strand). Cytogenetic location: 19q13.33.
Variant type: single nucleotide variant.
Coding change: c.1299-7C>T on transcript NM_007254.4 (MANE Select); 7 bases into the intron before coding-DNA position 1299, C replaced by T.
Molecular consequence: intron variant.
Genome position (GRCh38, 1-based): chr19:49,861,702, G>A on the plus strand (C>T on the coding strand, the complement: PNKP is on the minus strand). VCF-style: chr19-49861702-G-A. GRCh37 (hg19) VCF-style: chr19-50364959-G-A.
Identifiers: ClinVar variation 507282 (VCV000507282.1), dbSNP rs1555810817, ClinGen allele CA658799275.
Genomic context (GRCh38, chr19:49,861,702, plus strand): 5'-GTGAAGAGGAAGCAGCGGCAGGGGACGCCCGCGGCTCGGGCACACTGGACGTACCTGTGG[G>A]GGAAGGAGCTGGATGTGCAGGCCCCGCCCACCCCGCCGCAGGCCACCTACGGCCCCGCGG-3'